The following is an entry in ClinVar:

NM_001429.4(EP300):c.6748G>A (p.Gly2250Arg)

Gene: EP300 (EP300 lysine acetyltransferase; plus strand). Cytogenetic location: 22q13.2.
Variant type: single nucleotide variant.
Coding change: c.6748G>A on transcript NM_001429.4 (MANE Select); coding-DNA position 6748, G replaced by A.
Protein change: p.Gly2250Arg; replaces glycine 2250 with arginine.
Molecular consequence: missense variant.
Genome position (GRCh38, 1-based): chr22:41,178,459, G>A. VCF-style: chr22-41178459-G-A. GRCh37 (hg19) VCF-style: chr22-41574463-G-A.
Other names: c.6670G>A, p.Gly2224Arg (NM_001362843.2); short protein forms G2224R, G2250R.
Identifiers: ClinVar variation 4870507 (VCV004870507.2).

ClinVar aggregate classification (germline): Uncertain significance. Review status: criteria provided, multiple submitters, no conflicts (2 of 4 stars). 2 submissions from 2 submitters: Uncertain significance (2). Last evaluated 2026-04-20.

Conditions:
EP300-related disorder. Also called: EP300-related condition; EP300-related disorders.
Inborn genetic diseases. Identifiers: MedGen C0950123, MeSH D030342.

Submissions (2):

Ambry Genetics
Classification: Uncertain significance for Inborn genetic diseases. Last evaluated: 2026-04-20. Review status: criteria provided, single submitter. Criteria: Ambry Variant Classification Scheme 2023. Collection method: clinical testing. Allele origin: germline.

PreventionGenetics, part of Exact Sciences
Classification: Uncertain significance for EP300-related condition. Last evaluated: 2024-12-03. Review status: criteria provided, single submitter. Criteria: ACMG Guidelines, 2015. Collection method: clinical testing. Allele origin: germline.
Comment: The EP300 c.6748G>A variant is predicted to result in the amino acid substitution p.Gly2250Arg. To our knowledge, this variant has not been reported in the literature or in a large population database (gnomAD), indicating this variant is rare. At this time, the clinical significance of this variant is uncertain due to the absence of conclusive functional and genetic evidence.